The following is an entry in ClinVar:

NM_017780.4(CHD7):c.8889dup (p.Lys2964Ter)

Gene: CHD7 (chromodomain helicase DNA binding protein 7; plus strand). Cytogenetic location: 8q12.2.
Variant type: Duplication.
Coding change: c.8889dup on transcript NM_017780.4 (MANE Select); coding-DNA position 8889, one base duplicated (T; older notation c.8889dupT).
Protein change: p.Lys2964Ter; replaces lysine 2964 with a stop codon.
Molecular consequence: nonsense.
Genome position (GRCh38, 1-based): chr8:60,865,828, T duplicated. VCF-style (leftmost placement, unchanged base first): chr8-60865827-A-AT. GRCh37 (hg19) VCF-style: chr8-61778386-A-AT.
Other names: c.2742dup, p.Lys915Ter (NM_001316690.1); short protein forms K2964*, K915*.
Identifiers: ClinVar variation 4883873 (VCV004883873.2).

ClinVar aggregate classification (germline): Uncertain significance (1 of 4 stars; one submission).

Conditions:
CHARGE syndrome (CHARGE). Also called: Hittner Hirsch Kreh syndrome; CHARGE ASSOCIATION--COLOBOMA, HEART ANOMALY, CHOANAL ATRESIA, RETARDATION, GENITAL AND EAR ANOMALIES; Coloboma, heart anomaly, choanal atresia, retardation, genital and ear anomalies; CHARGE association; Hall-Hittner syndrome. Identifiers: Orphanet 138, MedGen C0265354, MONDO:0008965.

Submission:

Dasa
Classification: Uncertain significance for CHARGE syndrome. Last evaluated: 2025-04-08. Review status: criteria provided, single submitter. Criteria: DASA Assertion Criteria. Collection method: clinical testing. Allele origin: germline.
Comment: NM_017780.4(CHD7):c.8889dup (p.Lys2964*) is a frameshift variant in CHD7 predicted to alter the reading frame and introduce a premature termination codon and is predicted to result in an absent or altered protein product. This variant is absent from population databases. The currently available literature and clinical evidence are not sufficient to establish a definitive association between this variant and the reported condition. Therefore, this variant is classified as a variant of uncertain significance.